The following is an entry in ClinVar:

NM_000384.3(APOB):c.7902A>T (p.Lys2634Asn)

Gene: APOB (apolipoprotein B; minus strand). Cytogenetic location: 2p24.1.
Variant type: single nucleotide variant.
Coding change: c.7902A>T on transcript NM_000384.3 (MANE Select); coding-DNA position 7902, A replaced by T.
Protein change: p.Lys2634Asn; replaces lysine 2634 with asparagine.
Molecular consequence: missense variant.
Genome position (GRCh38, 1-based): chr2:21,008,966, T>A on the plus strand (A>T on the coding strand, the complement: APOB is on the minus strand). VCF-style: chr2-21008966-T-A. GRCh37 (hg19) VCF-style: chr2-21231838-T-A.
Other names: short protein forms K2634N.
Identifiers: ClinVar variation 2947082 (VCV002947082.3), dbSNP rs2465367761, ClinGen allele CA345995866.

ClinVar aggregate classification (germline): Uncertain significance (1 of 4 stars; one submission).

Conditions:
Familial hypobetalipoproteinemia 1. Also called: APOB-Related Familial Hypobetalipoproteinemia; Hypobetalipoproteinemia, normotriglyceridemic; Acanthocytosis with hypobetalipoproteinemia. Identifiers: MedGen C4551990, MONDO:0014252, OMIM 615558.
Hypercholesterolemia, autosomal dominant, type B (FHCL2). Also called: Familial Hypercholesterolemia Type B; APOLIPOPROTEIN B-100, FAMILIAL DEFECTIVE; APOLIPOPROTEIN B-100, FAMILIAL LIGAND-DEFECTIVE; HYPERCHOLESTEROLEMIA, FAMILIAL, DUE TO LIGAND-DEFECTIVE APOLIPOPROTEIN B; Hyperlipoproteinemia Type IIb; Familial hypercholesterolemia 2. Identifiers: MedGen C1704417, MONDO:0007751, OMIM 144010.

Submission:

Labcorp Genetics (formerly Invitae), Labcorp
Classification: Uncertain significance for Familial hypobetalipoproteinemia 1; Hypercholesterolemia, autosomal dominant, type B. Last evaluated: 2023-12-11. Review status: criteria provided, single submitter. Criteria: Invitae Variant Classification Sherloc (09022015). Collection method: clinical testing. Allele origin: germline.
Comment: This sequence change replaces lysine, which is basic and polar, with asparagine, which is neutral and polar, at codon 2634 of the APOB protein (p.Lys2634Asn). This variant is not present in population databases (gnomAD no frequency). This variant has not been reported in the literature in individuals affected with APOB-related conditions. Advanced modeling of protein sequence and biophysical properties (such as structural, functional, and spatial information, amino acid conservation, physicochemical variation, residue mobility, and thermodynamic stability) performed at Invitae indicates that this missense variant is not expected to disrupt APOB protein function with a negative predictive value of 95%. In summary, the available evidence is currently insufficient to determine the role of this variant in disease. Therefore, it has been classified as a Variant of Uncertain Significance.